The following is an entry in ClinVar:

NM_014423.4(AFF4):c.1853A>G (p.Lys618Arg)

Gene: AFF4 (ALF transcription elongation factor 4; minus strand). Cytogenetic location: 5q31.1.
Variant type: single nucleotide variant.
Coding change: c.1853A>G on transcript NM_014423.4 (MANE Select); coding-DNA position 1853, A replaced by G.
Protein change: p.Lys618Arg; replaces lysine 618 with arginine.
Molecular consequence: missense variant.
Genome position (GRCh38, 1-based): chr5:132,896,777, T>C on the plus strand (A>G on the coding strand, the complement: AFF4 is on the minus strand). VCF-style: chr5-132896777-T-C. GRCh37 (hg19) VCF-style: chr5-132232469-T-C.
Other names: short protein forms K618R.
Identifiers: ClinVar variation 4886701 (VCV004886701.2).

ClinVar aggregate classification (germline): Uncertain significance (1 of 4 stars; one submission).

Submission:

Dasa
Classification: Uncertain significance. Last evaluated: 2024-10-28. Review status: criteria provided, single submitter. Criteria: DASA Assertion Criteria. Collection method: clinical testing. Allele origin: germline.
Comment: NM_014423.4(AFF4):c.1853A>G (p.Lys618Arg) is a missense variant that results in the substitution of lysine with arginine. This variant is absent from population databases. Computational prediction algorithms are consistent with a benign effect. The currently available literature and clinical evidence are not sufficient to establish a definitive association between this variant and the reported condition. Therefore, this variant is classified as a variant of uncertain significance.